The following is an entry in ClinVar:

ClinVar aggregate classification (germline): Uncertain significance (1 of 4 stars; one submission).

Conditions:
Intellectual disability, autosomal recessive 53 (NEDHSCA). Also called: GLYCOSYLPHOSPHATIDYLINOSITOL BIOSYNTHESIS DEFECT 13; Mental retardation, autosomal recessive 53; NEURODEVELOPMENTAL DISORDER WITH OR WITHOUT HYPOTONIA, SEIZURES, AND CEREBELLAR ATROPHY. Identifiers: Orphanet 488635, MedGen C4310794, MONDO:0014832, OMIM 616917.

gnomAD v4.1: 11 of 1,613,518 alleles (0.00068%); highest among the groups gnomAD compares: Non-Finnish European, 0.00093%; no homozygotes.

Submission:

Labcorp Genetics (formerly Invitae), Labcorp
Classification: Uncertain significance for Intellectual disability, autosomal recessive 53. Last evaluated: 2024-08-05. Review status: criteria provided, single submitter. Criteria: Invitae Variant Classification Sherloc (09022015). Collection method: clinical testing. Allele origin: germline.
Comment: This sequence change replaces arginine, which is basic and polar, with serine, which is neutral and polar, at codon 135 of the PIGG protein (p.Arg135Ser). This variant is present in population databases (rs782043045, gnomAD 0.0009%). This variant has not been reported in the literature in individuals affected with PIGG-related conditions. ClinVar contains an entry for this variant (Variation ID: 1518862). Advanced modeling of protein sequence and biophysical properties (such as structural, functional, and spatial information, amino acid conservation, physicochemical variation, residue mobility, and thermodynamic stability) has been performed at Invitae for this missense variant, however the output from this modeling did not meet the statistical confidence thresholds required to predict the impact of this variant on PIGG protein function. In summary, the available evidence is currently insufficient to determine the role of this variant in disease. Therefore, it has been classified as a Variant of Uncertain Significance.

NM_001127178.3(PIGG):c.405G>T (p.Arg135Ser)

Gene: PIGG (phosphatidylinositol glycan anchor biosynthesis class G (EMM blood group); plus strand). Cytogenetic location: 4p16.3.
Variant type: single nucleotide variant.
Coding change: c.405G>T on transcript NM_001127178.3 (MANE Select); coding-DNA position 405, G replaced by T.
Protein change: p.Arg135Ser; replaces arginine 135 with serine.
Molecular consequence: missense variant. On other transcripts: 5 prime UTR variant (4), non-coding transcript variant (10), intron variant (1).
Genome position (GRCh38, 1-based): chr4:505,762, G>T. VCF-style: chr4-505762-G-T. GRCh37 (hg19) VCF-style: chr4-499551-G-T.
Other names: c.138G>T, p.Arg46Ser (NM_001289051.2, NM_001289053.2, NM_001289057.2 and 2 more transcripts); c.39G>T, p.Arg13Ser (NM_001289055.2); c.-483G>T (NM_001345988.2); c.405G>T, p.Arg135Ser (NM_001345989.2, NM_017733.5); c.-1221G>T (NM_001345990.2); c.-1083G>T (NM_001345991.2); c.-808G>T (NM_001345994.2); c.361-3067G>T (NM_001289052.2); short protein forms R46S, R135S, R13S.
Identifiers: ClinVar variation 1518862 (VCV001518862.7), dbSNP rs782043045, ClinGen allele CA91048733.
Genomic context (GRCh38, chr4:505,762, plus strand): 5'-CATTTTCTGACTGCAGGCATTGATGACGGGGAGCCTTCCTGGCTTTGTCGACGTCATCAG[G>T]AACCTCAATTCTCCTGCACTGCTGGAAGACAGTGTGATAAGACAAGCAAAAGCAGCTGGA-3'
Protein context (NP_001120650.1, residues 125-145): GSLPGFVDVI[Arg135Ser]NLNSPALLED